The following is an entry in ClinVar:

NM_002906.4(RDX):c.72A>G (p.Thr24=)

Gene: RDX (radixin; minus strand). Cytogenetic location: 11q22.3.
Variant type: single nucleotide variant.
Coding change: c.72A>G on transcript NM_002906.4 (MANE Select); coding-DNA position 72, A replaced by G.
Protein change: p.Thr24=; no amino-acid change (threonine 24 retained).
Molecular consequence: synonymous variant. On other transcripts: missense variant (1), intron variant (1).
Genome position (GRCh38, 1-based): chr11:110,272,560, T>C on the plus strand (A>G on the coding strand, the complement: RDX is on the minus strand). VCF-style: chr11-110272560-T-C. GRCh37 (hg19) VCF-style: chr11-110143285-T-C.
Other names: c.72A>G, p.Thr24= (NM_001260492.2, NM_001260493.2, NM_001260496.2); c.35A>G, p.Gln12Arg (NM_001260494.2); c.-83+7121A>G (NM_001260495.2); short protein forms Q12R.
Identifiers: ClinVar variation 44639 (VCV000044639.8), dbSNP rs148468207, ClinGen allele CA134771.

ClinVar aggregate classification (germline): Likely benign. Review status: criteria provided, multiple submitters, no conflicts (2 of 4 stars). 2 submissions from 2 submitters: Likely benign (2). Last evaluated 2022-12-25.

Allele frequency attached by ClinVar (database versions not stated): gnomAD 0.00001; gnomAD exomes 0.00001; TOPMed 0.00001; ExAC 0.00002; ESP Exome Variant Server 0.00008.
gnomAD v4.1: 8 of 1,611,962 alleles (0.0005%); highest among the groups gnomAD compares: Non-Finnish European, 0.00068%; no homozygotes.

Submissions (2):

Labcorp Genetics (formerly Invitae), Labcorp
Classification: Likely benign. Last evaluated: 2022-12-25. Review status: criteria provided, single submitter. Criteria: Invitae Variant Classification Sherloc (09022015). Collection method: clinical testing. Allele origin: germline.

Laboratory for Molecular Medicine, Mass General Brigham Personalized Medicine
Classification: Likely benign. Last evaluated: 2012-04-30. Review status: criteria provided, single submitter. Criteria: LMM Criteria. Collection method: clinical testing. Allele origin: germline. Observed: 1 variant allele.
Comment: Thr24Thr in Exon 03 of RDX: This variant is not expected to have clinical signif icance because it does not alter an amino acid residue, is not located within th e splice consensus sequence, and has been identified in 1/7020 European American chromosomes from a broad population by the NHLBI Exome Sequencing Project (dbSNP rs148468207).